The following is an entry in ClinVar:

NM_002474.3(MYH11):c.3566C>A (p.Ser1189Tyr)

Gene: MYH11 (myosin heavy chain 11; minus strand). Cytogenetic location: 16p13.11.
Variant type: single nucleotide variant.
Coding change: c.3566C>A on transcript NM_002474.3 (MANE Select); coding-DNA position 3566, C replaced by A.
Protein change: p.Ser1189Tyr; replaces serine 1189 with tyrosine.
Molecular consequence: missense variant.
Genome position (GRCh38, 1-based): chr16:15,732,649, G>T on the plus strand (C>A on the coding strand, the complement: MYH11 is on the minus strand). VCF-style: chr16-15732649-G-T. GRCh37 (hg19) VCF-style: chr16-15826506-G-T.
Other names: c.3587C>A, p.Ser1196Tyr (NM_001040113.2, NM_001040114.2); c.3566C>A, p.Ser1189Tyr (NM_022844.3); short protein forms S1189Y, S1196Y.
Identifiers: ClinVar variation 628227 (VCV000628227.6), dbSNP rs773443243, ClinGen allele CA394861154.
Genomic context (GRCh38, chr16:15,732,649, plus strand): 5'-GTGAGCTCCTCCACCGCCTGTGCGTGTTTCTGCCTCATCTCCTGGACCTGAGCCTCATGG[G>T]ACCGCGTCTCTTCATCCAGGGCCTTCTTCAGCACCGTCACCTCCTGCTCCCTCTTGGCCC-3'
Protein context (NP_002465.1, residues 1179-1199): LKKALDEETR[Ser1189Tyr]HEAQVQEMRQ

ClinVar aggregate classification (germline): Uncertain significance (1 of 4 stars; one submission).

Conditions:
Familial thoracic aortic aneurysm and aortic dissection (TAAD). Also called: Thoracic aortic aneurysms and dissections. Identifiers: Orphanet 91387, MedGen C4707243, MONDO:0019625.

Submission:

Color Diagnostics, LLC DBA Color Health
Classification: Uncertain significance for Familial thoracic aortic aneurysm and aortic dissection. Last evaluated: 2023-12-05. Review status: criteria provided, single submitter. Criteria: ACMG Guidelines, 2015. Collection method: clinical testing. Allele origin: germline.
Comment: This missense variant is located in the myosin tail, coiled coil domain of the MYH11 protein. Computational prediction tools and conservation analyses suggest that this variant may have deleterious impact on the protein function. Computational splicing tools suggest that this variant may not impact RNA splicing. To our knowledge, functional assays have not been performed for this variant nor has the variant been reported in individuals affected with cardiovascular disorders in the literature. This variant has not been identified in the general population by the Genome Aggregation Database (gnomAD). Available evidence is insufficient to determine the role of this variant in disease conclusively. Therefore, this variant is classified as a Variant of Uncertain Significance.